The following is an entry in ClinVar:

NM_006939.4(SOS2):c.2667G>T (p.Glu889Asp)

Gene: SOS2 (SOS Ras/Rho guanine nucleotide exchange factor 2; minus strand). Cytogenetic location: 14q21.3.
Variant type: single nucleotide variant.
Coding change: c.2667G>T on transcript NM_006939.4 (MANE Select); coding-DNA position 2667, G replaced by T.
Protein change: p.Glu889Asp; replaces glutamic acid 889 with aspartic acid.
Molecular consequence: missense variant.
Genome position (GRCh38, 1-based): chr14:50,145,170, C>A on the plus strand (G>T on the coding strand, the complement: SOS2 is on the minus strand). VCF-style: chr14-50145170-C-A. GRCh37 (hg19) VCF-style: chr14-50611888-C-A.
Other names: c.2568G>T, p.Glu856Asp (NM_001411020.1); c.2667G>T (NM_006939.3); short protein forms E856D, E889D.
Identifiers: ClinVar variation 2173038 (VCV002173038.6), dbSNP rs2502914186, ClinGen allele CA389642877.

ClinVar aggregate classification (germline): Uncertain significance. Review status: criteria provided, multiple submitters, no conflicts (2 of 4 stars). 3 submissions from 3 submitters: Uncertain significance (3). Last evaluated 2026-07-20.

Conditions:
SOS2-related disorder. Also called: SOS2-related condition.
Cardiovascular phenotype. Identifiers: MedGen CN230736.
Noonan syndrome 9 (NS9). Identifiers: Orphanet 648, MedGen C4225282, MONDO:0014691, OMIM 616559.

Submissions (3):

PreventionGenetics, part of Exact Sciences
Classification: Uncertain significance for SOS2-related condition. Last evaluated: 2026-07-20. Review status: criteria provided, single submitter. Criteria: ACMG Guidelines, 2015. Collection method: clinical testing. Allele origin: germline.
Comment: The SOS2 c.2667G>T variant is predicted to result in the amino acid substitution p.Glu889Asp. To our knowledge, this variant has not been reported in the literature or in a large population database (gnomAD), indicating this variant is rare. At this time, the clinical significance of this variant is uncertain due to the absence of conclusive functional and genetic evidence.

Labcorp Genetics (formerly Invitae), Labcorp
Classification: Uncertain significance for Noonan syndrome 9. Last evaluated: 2024-10-04. Review status: criteria provided, single submitter. Criteria: Invitae Variant Classification Sherloc (09022015). Collection method: clinical testing. Allele origin: germline.
Comment: This sequence change replaces glutamic acid, which is acidic and polar, with aspartic acid, which is acidic and polar, at codon 889 of the SOS2 protein (p.Glu889Asp). This variant also falls at the last nucleotide of exon 16, which is part of the consensus splice site for this exon. This variant is not present in population databases (gnomAD no frequency). This variant has not been reported in the literature in individuals affected with SOS2-related conditions. ClinVar contains an entry for this variant (Variation ID: 2173038). Invitae Evidence Modeling of protein sequence and biophysical properties (such as structural, functional, and spatial information, amino acid conservation, physicochemical variation, residue mobility, and thermodynamic stability) indicates that this missense variant is not expected to disrupt SOS2 protein function with a negative predictive value of 95%. Variants that disrupt the consensus splice site are a relatively common cause of aberrant splicing (PMID: 17576681, 9536098). Algorithms developed to predict the effect of sequence changes on RNA splicing suggest that this variant may disrupt the consensus splice site. In summary, the available evidence is currently insufficient to determine the role of this variant in disease. Therefore, it has been classified as a Variant of Uncertain Significance.

Ambry Genetics
Classification: Uncertain significance for Cardiovascular phenotype. Last evaluated: 2021-12-03. Review status: criteria provided, single submitter. Criteria: Ambry Variant Classification Scheme 2023. Collection method: clinical testing. Allele origin: germline.

Literature cited by the submitters: PubMed 17576681 (cited by Labcorp Genetics (formerly Invitae), Labcorp); PubMed 9536098 (cited by Labcorp Genetics (formerly Invitae), Labcorp).